The following is an entry in ClinVar:

NM_004168.4(SDHA):c.6G>T (p.Ser2=)

Gene: SDHA (succinate dehydrogenase complex flavoprotein subunit A; plus strand). Cytogenetic location: 5p15.33.
Variant type: single nucleotide variant.
Coding change: c.6G>T on transcript NM_004168.4 (MANE Select); coding-DNA position 6, G replaced by T.
Protein change: p.Ser2=; no amino-acid change (serine 2 retained).
Molecular consequence: synonymous variant.
Genome position (GRCh38, 1-based): chr5:218,361, G>T. VCF-style: chr5-218361-G-T. GRCh37 (hg19) VCF-style: chr5-218476-G-T.
Other names: c.6G>T, p.Ser2= (NM_001294332.2, NM_001330758.2).
Identifiers: ClinVar variation 826765 (VCV000826765.13), dbSNP rs751383247, ClinGen allele CA442689525.

ClinVar aggregate classification (germline): Benign/Likely benign. Review status: criteria provided, multiple submitters, no conflicts (2 of 4 stars). 3 submissions from 3 submitters: Benign (1); Likely benign (2). Last evaluated 2025-02-27.

Conditions:
Pheochromocytoma/paraganglioma syndrome 5. Also called: Paragangliomas 5; SDHA-Related Hereditary Paraganglioma-Pheochromocytoma Syndrome. Identifiers: Orphanet 29072, MedGen C3279992, MONDO:0013602, OMIM 614165.
Mitochondrial complex II deficiency, nuclear type 1. Also called: SUCCINATE CoQ REDUCTASE DEFICIENCY. Identifiers: Orphanet 3208, MedGen C5700310, MONDO:0100294, OMIM 252011.
Hereditary cancer-predisposing syndrome. Also called: Tumor predisposition; Hereditary neoplastic syndrome; Neoplastic Syndromes, Hereditary; Hereditary Cancer Syndrome. Identifiers: Orphanet 140162, MedGen C0027672, MeSH D009386, MONDO:0015356.

gnomAD v4.1: 1 of 1,461,142 alleles (0.000068%); no homozygotes.

Submissions (3):

Myriad Genetics, Inc.
Classification: Benign for Pheochromocytoma/paraganglioma syndrome 5. Last evaluated: 2025-02-27. Review status: criteria provided, single submitter. Criteria: Myriad Autosomal Dominant, Autosomal Recessive and X-Linked Classification Criteria (2023). Collection method: clinical testing. Allele origin: unknown.
Comment: This variant is considered benign. This variant is a silent/synonymous amino acid change and it is not expected to impact splicing.

Labcorp Genetics (formerly Invitae), Labcorp
Classification: Likely benign for Pheochromocytoma/paraganglioma syndrome 5; Mitochondrial complex II deficiency, nuclear type 1. Last evaluated: 2022-08-28. Review status: criteria provided, single submitter. Criteria: Invitae Variant Classification Sherloc (09022015). Collection method: clinical testing. Allele origin: germline.

Ambry Genetics
Classification: Likely benign for Hereditary cancer-predisposing syndrome. Last evaluated: 2019-10-29. Review status: criteria provided, single submitter. Criteria: Ambry Variant Classification Scheme 2023. Collection method: clinical testing. Allele origin: germline.